The following is an entry in ClinVar:

ClinVar aggregate classification (germline): Uncertain significance (1 of 4 stars; one submission).

Conditions:
Catecholaminergic polymorphic ventricular tachycardia 1. Also called: RYR2-Related Catecholaminergic Polymorphic Ventricular Tachycardia; VENTRICULAR TACHYCARDIA, CATECHOLAMINERGIC POLYMORPHIC, 1, WITH OR WITHOUT ATRIAL DYSFUNCTION AND/OR DILATED CARDIOMYOPATHY; VENTRICULAR TACHYCARDIA, STRESS-INDUCED POLYMORPHIC 1. Identifiers: Orphanet 3286, MedGen C1631597, MONDO:0011484, OMIM 604772.

Submission:

Labcorp Genetics (formerly Invitae), Labcorp
Classification: Uncertain significance for Catecholaminergic polymorphic ventricular tachycardia 1. Last evaluated: 2022-11-01. Review status: criteria provided, single submitter. Criteria: Invitae Variant Classification Sherloc (09022015). Collection method: clinical testing. Allele origin: germline.
Comment: This sequence change replaces glutamine, which is neutral and polar, with arginine, which is basic and polar, at codon 4060 of the RYR2 protein (p.Gln4060Arg). This variant is not present in population databases (gnomAD no frequency). This variant has not been reported in the literature in individuals affected with RYR2-related conditions. Advanced modeling of protein sequence and biophysical properties (such as structural, functional, and spatial information, amino acid conservation, physicochemical variation, residue mobility, and thermodynamic stability) performed at Invitae indicates that this missense variant is not expected to disrupt RYR2 protein function. In summary, the available evidence is currently insufficient to determine the role of this variant in disease. Therefore, it has been classified as a Variant of Uncertain Significance.

NM_001035.3(RYR2):c.12179A>G (p.Gln4060Arg)

Gene: RYR2 (ryanodine receptor 2; plus strand). Cytogenetic location: 1q43.
Variant type: single nucleotide variant.
Coding change: c.12179A>G on transcript NM_001035.3 (MANE Select); coding-DNA position 12179, A replaced by G.
Protein change: p.Gln4060Arg; replaces glutamine 4060 with arginine.
Molecular consequence: missense variant.
Genome position (GRCh38, 1-based): chr1:237,783,891, A>G. VCF-style: chr1-237783891-A-G. GRCh37 (hg19) VCF-style: chr1-237947191-A-G.
Other names: short protein forms Q4060R.
Identifiers: ClinVar variation 2811141 (VCV002811141.3), dbSNP rs2527777501, ClinGen allele CA345412474.